The following is an entry in ClinVar:

ClinVar aggregate classification (germline): Conflicting classifications of pathogenicity. Review status: criteria provided, conflicting classifications (1 of 4 stars). 3 submissions from 3 submitters: Uncertain significance (2); Likely benign (1). Last evaluated 2023-05-18.

Conditions:
Hereditary breast ovarian cancer syndrome. Also called: Hereditary breast and ovarian cancer syndrome (HBOC); BRCA1- and BRCA2-Associated Hereditary Breast and Ovarian Cancer; Hereditary breast and ovarian cancer syndrome; Breast and ovarian cancer; Hereditary breast and ovarian cancer; Hereditary breast and/or ovarian cancer syndrome. Identifiers: Orphanet 145, MedGen C0677776, MeSH D061325, MONDO:0003582. Disease mechanism: loss of function.
Hereditary cancer-predisposing syndrome. Also called: Hereditary neoplastic syndrome; Neoplastic Syndromes, Hereditary; Tumor predisposition; Hereditary Cancer Syndrome. Identifiers: Orphanet 140162, MedGen C0027672, MeSH D009386, MONDO:0015356.

Allele frequency attached by ClinVar (database versions not stated): gnomAD exomes below 0.00001; TOPMed below 0.00001.
gnomAD v4.1: 3 of 1,613,390 alleles (0.00019%); highest among the groups gnomAD compares: African/African-American, 0.0027%; no homozygotes.

Submissions (3):

Labcorp Genetics (formerly Invitae), Labcorp
Classification: Uncertain significance for Hereditary breast ovarian cancer syndrome. Last evaluated: 2023-05-18. Review status: criteria provided, single submitter. Criteria: Invitae Variant Classification Sherloc (09022015). Collection method: clinical testing. Allele origin: germline.
Comment: In summary, the available evidence is currently insufficient to determine the role of this variant in disease. Therefore, it has been classified as a Variant of Uncertain Significance. Advanced modeling of protein sequence and biophysical properties (such as structural, functional, and spatial information, amino acid conservation, physicochemical variation, residue mobility, and thermodynamic stability) performed at Invitae indicates that this missense variant is not expected to disrupt BRCA1 protein function. ClinVar contains an entry for this variant (Variation ID: 531290). This variant has not been reported in the literature in individuals affected with BRCA1-related conditions. This variant is not present in population databases (gnomAD no frequency). This sequence change replaces asparagine, which is neutral and polar, with aspartic acid, which is acidic and polar, at codon 1121 of the BRCA1 protein (p.Asn1121Asp).

University of Washington Department of Laboratory Medicine, University of Washington
Classification: Likely benign for Hereditary cancer-predisposing syndrome. Last evaluated: 2023-03-23. Review status: criteria provided, single submitter. Criteria: Dines et al. (Genet Med. 2020). Collection method: curation. Allele origin: germline.
Comment: Missense variant in a coldspot region where missense variants are very unlikely to be pathogenic (PMID:31911673).

BRCA1 coldspot (exon 11 using historical exon numbering). Reclassification based on statistical prior probability

Ambry Genetics
Classification: Uncertain significance for Hereditary cancer-predisposing syndrome. Last evaluated: 2019-07-26. Review status: criteria provided, single submitter. Criteria: Ambry Variant Classification Scheme 2023. Collection method: clinical testing. Allele origin: germline.
Comment: The p.N1121D variant (also known as c.3361A>G), located in coding exon 9 of the BRCA1 gene, results from an A to G substitution at nucleotide position 3361. The asparagine at codon 1121 is replaced by aspartic acid, an amino acid with highly similar properties. This amino acid position is not well conserved in available vertebrate species. In addition, this alteration is predicted to be tolerated by in silico analysis. Since supporting evidence is limited at this time, the clinical significance of this alteration remains unclear.

NM_007294.4(BRCA1):c.3361A>G (p.Asn1121Asp)

Genes: BRCA1 (BRCA1 DNA repair associated; minus strand), LOC126862571 (BRD4-independent group 4 enhancer GRCh37_chr17:41243136-41244335; plus strand). Cytogenetic location: 17q21.31.
Variant type: single nucleotide variant.
Coding change: c.3361A>G on transcript NM_007294.4 (MANE Select); coding-DNA position 3361, A replaced by G.
Protein change: p.Asn1121Asp; replaces asparagine 1121 with aspartic acid.
Molecular consequence: missense variant. On other transcripts: intron variant (137).
Genome position (GRCh38, 1-based): chr17:43,092,170, T>C on the plus strand (A>G on the coding strand, the complement: BRCA1 is on the minus strand). VCF-style: chr17-43092170-T-C. GRCh37 (hg19) VCF-style: chr17-41244187-T-C.
Other names: c.3148A>G, p.Asn1050Asp (NM_001407571.1, NM_001407853.1, NM_001407894.1 and 9 more transcripts); c.578-1138A>G (NM_001408484.1, NM_001408478.1, NM_001408481.1 and 9 more transcripts); c.662-1138A>G (NM_001408434.1, NM_001408450.1, NM_001408446.1 and 6 more transcripts); c.785-1138A>G (NM_001408398.1, NM_001407992.1, NM_001408397.1 and 13 more transcripts); c.665-1138A>G (NM_001408440.1, NM_001408428.1, NM_001408436.1 and 12 more transcripts); c.671-1138A>G (NM_001408418.1, NM_001408423.1, NM_001408420.1 and 2 more transcripts); c.788-1138A>G (NM_001407981.1, NM_007298.4, NM_001407978.1 and 17 more transcripts); c.3361A>G, p.Asn1121Asp (NM_001407581.1, NM_001407582.1, NM_001407585.1 and 30 more transcripts); and 41 more; short protein forms N1121D, N1074D, N1010D, N1051D, N1095D, N1118D, N1009D, N1032D.
Identifiers: ClinVar variation 531290 (VCV000531290.14), dbSNP rs876660526, ClinGen allele CA10595259.